The following is an entry in ClinVar:

NM_000540.3(RYR1):c.313G>T (p.Ala105Ser)

Gene: RYR1 (ryanodine receptor 1; plus strand). Cytogenetic location: 19q13.2.
Variant type: single nucleotide variant.
Coding change: c.313G>T on transcript NM_000540.3 (MANE Select); coding-DNA position 313, G replaced by T.
Protein change: p.Ala105Ser; replaces alanine 105 with serine.
Molecular consequence: missense variant.
Genome position (GRCh38, 1-based): chr19:38,443,600, G>T. VCF-style: chr19-38443600-G-T. GRCh37 (hg19) VCF-style: chr19-38934240-G-T.
Other names: c.313G>T, p.Ala105Ser (NM_001042723.2); short protein forms A105S.
Identifiers: ClinVar variation 4757756 (VCV004757756.1).

ClinVar aggregate classification (germline): Uncertain significance (1 of 4 stars; one submission).

Conditions:
Malignant hyperthermia, susceptibility to, 1 (MHS1). Also called: RYR1-Related Malignant Hyperthermia Susceptibility; Malignant hyperthermia suceptibility 1; Anesthesia related hyperthermia; Malignant hyperpyrexia; Fulminating hyperpyrexia; Pharmacogenic myopathy. Identifiers: Orphanet 423, MedGen C2930980, MONDO:0007783, OMIM 145600.

Submission:

Color Diagnostics, LLC DBA Color Health
Classification: Uncertain significance for Malignant hyperthermia, susceptibility to, 1. Last evaluated: 2025-07-20. Review status: criteria provided, single submitter. Criteria: ACMG Guidelines, 2015. Collection method: clinical testing. Allele origin: germline.
Comment: This missense variant replaces alanine with serine at codon 105 of the RYR1 protein. Computational prediction suggests that this variant may have deleterious impact on protein structure and function. To our knowledge, functional studies have not been reported for this variant. This variant has not been reported in individuals affected with RYR1-related disorders in the literature. This variant has not been identified in the general population by the Genome Aggregation Database (gnomAD). The available evidence is insufficient to determine the role of this variant in disease conclusively. Therefore, this variant is classified as a Variant of Uncertain Significance.